The following is an entry in ClinVar:

NM_000271.5(NPC1):c.3620T>C (p.Phe1207Ser)

Gene: NPC1 (NPC intracellular cholesterol transporter 1; minus strand). Cytogenetic location: 18q11.2.
Variant type: single nucleotide variant.
Coding change: c.3620T>C on transcript NM_000271.5 (MANE Select); coding-DNA position 3620, T replaced by C.
Protein change: p.Phe1207Ser; replaces phenylalanine 1207 with serine.
Molecular consequence: missense variant.
Genome position (GRCh38, 1-based): chr18:23,533,489, A>G on the plus strand (T>C on the coding strand, the complement: NPC1 is on the minus strand). VCF-style: chr18-23533489-A-G. GRCh37 (hg19) VCF-style: chr18-21113453-A-G.
Other names: c.3620T>C (NM_000271.4); short protein forms F1207S.
Identifiers: ClinVar variation 1427385 (VCV001427385.10), dbSNP rs764991360, ClinGen allele CA8912689.
Genomic context (GRCh38, chr18:23,533,489, plus strand): 5'-CTGAAGTAGAATATCTGGAAAATTTGAGATTTGGCAAAAGCCAACACCACAATCCCTCCA[A>G]ATTTTGTAAGTGTGATTCCACTGAACACCTAAAAGAAGAGATACTGTGTTAGAAACCACT-3'
Protein context (NP_000262.2, residues 1197-1217): SVFSGITLTK[Phe1207Ser]GGIVVLAFAK

ClinVar aggregate classification (germline): Conflicting classifications of pathogenicity. Review status: criteria provided, conflicting classifications (1 of 4 stars). 3 submissions from 3 submitters: Likely pathogenic (1); Uncertain significance (2). Last evaluated 2024-09-11.

Conditions:
Russell-Silver syndrome. Identifiers: Orphanet 813, MedGen C0175693, MONDO:0008394.
Niemann-Pick disease, type C1. Also called: NIEMANN-PICK DISEASE, VARIANT TYPE C1; NEUROVISCERAL STORAGE DISEASE WITH VERTICAL SUPRANUCLEAR OPHTHALMOPLEGIA; NIEMANN-PICK DISEASE WITH CHOLESTEROL ESTERIFICATION BLOCK; NIEMANN-PICK DISEASE WITHOUT SPHINGOMYELINASE DEFICIENCY; NIEMANN-PICK DISEASE, CHRONIC NEURONOPATHIC FORM. Identifiers: Orphanet 646, MedGen C3179455, MONDO:0009757, OMIM 257220.

Allele frequency attached by ClinVar (database versions not stated): gnomAD 0.00001; ExAC 0.00002; TOPMed 0.00001; gnomAD exomes 0.00001 and 0.00003.
gnomAD v4.1: 43 of 1,614,126 alleles (0.0027%); highest among the groups gnomAD compares: Non-Finnish European, 0.0036%; no homozygotes.

Submissions (3):

GeneDx
Classification: Likely pathogenic. Last evaluated: 2024-09-11. Review status: criteria provided, single submitter. Criteria: GeneDx Variant Classification Process June 2021. Collection method: clinical testing. Allele origin: germline.
Comment: Previously reported in an individual with NPC1-related Niemann-Pick disease who harbored a second pathogenic variant in the NPC1 gene, however phase was not determined (PMID: 34572251); Not observed at significant frequency in large population cohorts (gnomAD); In silico analysis supports that this missense variant has a deleterious effect on protein structure/function; This variant is associated with the following publications: (PMID: 34572251, 36890159)

Labcorp Genetics (formerly Invitae), Labcorp
Classification: Uncertain significance for Niemann-Pick disease, type C1. Last evaluated: 2024-01-12. Review status: criteria provided, single submitter. Criteria: Invitae Variant Classification Sherloc (09022015). Collection method: clinical testing. Allele origin: germline.
Comment: This sequence change replaces phenylalanine, which is neutral and non-polar, with serine, which is neutral and polar, at codon 1207 of the NPC1 protein (p.Phe1207Ser). This variant is present in population databases (rs764991360, gnomAD 0.003%). This variant has not been reported in the literature in individuals affected with NPC1-related conditions. ClinVar contains an entry for this variant (Variation ID: 1427385). Advanced modeling of protein sequence and biophysical properties (such as structural, functional, and spatial information, amino acid conservation, physicochemical variation, residue mobility, and thermodynamic stability) performed at Invitae indicates that this missense variant is expected to disrupt NPC1 protein function with a positive predictive value of 95%. In summary, the available evidence is currently insufficient to determine the role of this variant in disease. Therefore, it has been classified as a Variant of Uncertain Significance.

Cambridge Genomics Laboratory, East Genomic Laboratory Hub, NHS Genomic Medicine Service
Classification: Uncertain significance for Russell-Silver syndrome. Last evaluated: 2020-04-02. Review status: criteria provided, single submitter. Criteria: ACGS Best Practice Guidelines for Variant Classification in Rare Disease 2020. Collection method: clinical testing. Allele origin: germline. Affected: yes. Observed: 1 variant allele.